The following is an entry in ClinVar:

NM_007348.4(ATF6):c.742G>A (p.Val248Ile)

Gene: ATF6 (activating transcription factor 6; plus strand). Cytogenetic location: 1q23.3.
Variant type: single nucleotide variant.
Coding change: c.742G>A on transcript NM_007348.4 (MANE Select); coding-DNA position 742, G replaced by A.
Protein change: p.Val248Ile; replaces valine 248 with isoleucine.
Molecular consequence: missense variant.
Genome position (GRCh38, 1-based): chr1:161,802,105, G>A. VCF-style: chr1-161802105-G-A. GRCh37 (hg19) VCF-style: chr1-161771895-G-A.
Other names: short protein forms V248I.
Identifiers: ClinVar variation 953117 (VCV000953117.5), dbSNP rs189775459, ClinGen allele CA1214287.

ClinVar aggregate classification (germline): Uncertain significance. Review status: criteria provided, multiple submitters, no conflicts (2 of 4 stars). 3 submissions from 3 submitters: Uncertain significance (3). Last evaluated 2025-08-21.

Conditions:
Inborn genetic diseases. Identifiers: MedGen C0950123, MeSH D030342.

Allele frequency attached by ClinVar (database versions not stated): ExAC 0.00002; gnomAD exomes 0.00005 and 0.00006; TOPMed 0.00005; gnomAD 0.00011; 1000 Genomes Project 30x 0.00031; 1000 Genomes Project 0.00040.
gnomAD v4.1: 103 of 1,614,120 alleles (0.0064%); highest among the groups gnomAD compares: Admixed American, 0.058%; no homozygotes.

Submissions (3):

Ambry Genetics
Classification: Uncertain significance for Inborn genetic diseases. Last evaluated: 2025-08-21. Review status: criteria provided, single submitter. Criteria: Ambry Variant Classification Scheme 2023. Collection method: clinical testing. Allele origin: germline.

Blueprint Genetics
Classification: Uncertain significance. Last evaluated: 2024-10-10. Review status: criteria provided, single submitter. Criteria: ACMG Guidelines, 2015. Collection method: clinical testing. Allele origin: germline.

Labcorp Genetics (formerly Invitae), Labcorp
Classification: Uncertain significance. Last evaluated: 2022-07-26. Review status: criteria provided, single submitter. Criteria: Invitae Variant Classification Sherloc (09022015). Collection method: clinical testing. Allele origin: germline.
Comment: This sequence change replaces valine, which is neutral and non-polar, with isoleucine, which is neutral and non-polar, at codon 248 of the ATF6 protein (p.Val248Ile). This variant is present in population databases (rs189775459, gnomAD 0.02%). This variant has not been reported in the literature in individuals affected with ATF6-related conditions. ClinVar contains an entry for this variant (Variation ID: 953117). Algorithms developed to predict the effect of missense changes on protein structure and function output the following: SIFT: "Tolerated"; PolyPhen-2: "Benign"; Align-GVGD: "Class C0". The isoleucine amino acid residue is found in multiple mammalian species, which suggests that this missense change does not adversely affect protein function. In summary, the available evidence is currently insufficient to determine the role of this variant in disease. Therefore, it has been classified as a Variant of Uncertain Significance.